The following is an entry in ClinVar:

ClinVar aggregate classification (germline): Pathogenic (1 of 4 stars; one submission).

Conditions:
BAP1-related tumor predisposition syndrome (TPDS1). Also called: BAP1 tumor predisposition syndrome; COMMON Syndrome; TUMOR PREDISPOSITION SYNDROME 1; Tumor susceptibility linked to germline BAP1 mutations. Identifiers: Orphanet 289539, MedGen C3280492, MONDO:0013692, OMIM 614327.

Submission:

Labcorp Genetics (formerly Invitae), Labcorp
Classification: Pathogenic for BAP1-related tumor predisposition syndrome. Last evaluated: 2025-04-14. Review status: criteria provided, single submitter. Criteria: Invitae Variant Classification Sherloc (09022015). Collection method: clinical testing. Allele origin: germline.
Comment: This sequence change creates a premature translational stop signal (p.Pro42Leufs*30) in the BAP1 gene. It is expected to result in an absent or disrupted protein product. Loss-of-function variants in BAP1 are known to be pathogenic (PMID: 21874000, 23684012). This variant is not present in population databases (gnomAD no frequency). This variant has not been reported in the literature in individuals affected with BAP1-related conditions. ClinVar contains an entry for this variant (Variation ID: 2696618). For these reasons, this variant has been classified as Pathogenic.

Literature cited by the submitters: PubMed 21874000; PubMed 23684012.

NM_004656.4(BAP1):c.125del (p.Pro42fs)

Gene: BAP1 (BRCA1 associated deubiquitinase 1; minus strand). Cytogenetic location: 3p21.1.
Variant type: Deletion.
Coding change: c.125del on transcript NM_004656.4 (MANE Select); coding-DNA position 125, one base deleted (C; older notation c.125delC).
Protein change: p.Pro42fs; shifts the reading frame from proline 42.
Molecular consequence: frameshift variant.
Genome position (GRCh38, 1-based): chr3:52,408,604, G deleted on the plus strand (C on the coding strand, the reverse complement: BAP1 is on the minus strand); the first of 3 consecutive G bases (chr3:52,408,604-52,408,606); deleting any one gives the same sequence. VCF-style (leftmost placement, unchanged base first): chr3-52408603-AG-A. GRCh37 (hg19) VCF-style: chr3-52442619-AG-A.
Other names: c.125del, p.Pro42fs (NM_001410772.1); short protein forms P42fs.
Identifiers: ClinVar variation 2696618 (VCV002696618.3), dbSNP rs2471358847, ClinGen allele CA2697556705.